The following is an entry in ClinVar:

NM_000089.4(COL1A2):c.1136G>A (p.Gly379Glu)

Gene: COL1A2 (collagen type I alpha 2 chain; plus strand). Cytogenetic location: 7q21.3.
Variant type: single nucleotide variant.
Coding change: c.1136G>A on transcript NM_000089.4 (MANE Select); coding-DNA position 1136, G replaced by A.
Protein change: p.Gly379Glu; replaces glycine 379 with glutamic acid.
Molecular consequence: missense variant.
Genome position (GRCh38, 1-based): chr7:94,410,466, G>A. VCF-style: chr7-94410466-G-A. GRCh37 (hg19) VCF-style: chr7-94039778-G-A.
Other names: short protein forms G379E.
Identifiers: ClinVar variation 426918 (VCV000426918.3), dbSNP rs121912912, ClinGen allele CA368221227.
Genomic context (GRCh38, chr7:94,410,466, plus strand): 5'-TTTTCATTAAACAGGGCTCTGCTGGGCCCCAAGGTCCTCCTGGTCCCAGTGGTGAAGAAG[G>A]AAAGAGAGGCCCTAATGGGGAAGCTGGATCTGCCGGCCCTCCAGGACCTCCTGGGCTGAG-3'
Protein context (NP_000080.2, residues 369-389): QGPPGPSGEE[Gly379Glu]KRGPNGEAGS

ClinVar aggregate classification (germline): Pathogenic. Review status: criteria provided, multiple submitters, no conflicts (2 of 4 stars). 2 submissions from 2 submitters: Pathogenic (2). Last evaluated 2024-03-19.

Conditions:
Osteogenesis imperfecta, perinatal lethal (OI2). Also called: Osteogenesis imperfecta type 2; OI, TYPE II; OSTEOGENESIS IMPERFECTA CONGENITA; VROLIK TYPE OF OSTEOGENESIS IMPERFECTA; OSTEOGENESIS IMPERFECTA, TYPE II; Osteogenesis imperfecta, dominant perinatal lethal. Identifiers: Orphanet 216804, MedGen C0268358, MONDO:0008147, OMIM 166210.
Combined osteogenesis imperfecta and Ehlers-Danlos syndrome 2. Also called: OIEDS SYNDROME 2. Identifiers: MedGen C5436847, MONDO:0030855, OMIM 619120.
Osteogenesis imperfecta with normal sclerae, dominant form (OI4). Also called: OSTEOGENESIS IMPERFECTA, TYPE IV, WITH DENTINOGENESIS IMPERFECTA; Osteogenesis Imperfecta Type IV; Osteogenesis imperfecta type 4; OSTEOGENESIS IMPERFECTA WITH NORMAL SCLERAE; Common Variable Osteogenesis Imperfecta with Normal Sclerae. Identifiers: Orphanet 216820, Orphanet 666, MedGen C0268363, MONDO:0008148, OMIM 166220.
Osteogenesis imperfecta type III (OI3). Also called: Osteogenesis imperfecta type 3; OI type 3; Osteogenesis imperfecta, progressively deforming with normal sclerae; OI type III; Progressively Deforming Osteogenesis Imperfecta. Identifiers: Orphanet 216812, Orphanet 666, MedGen C0268362, MONDO:0009804, OMIM 259420.
Ehlers-Danlos syndrome, cardiac valvular type. Identifiers: Orphanet 230851, MedGen C4303789, MONDO:0009159, OMIM 225320.
Osteoporosis. Identifiers: MedGen C0029456, MONDO:0005298, OMIM 166710, HP:0000939.
Ehlers-Danlos syndrome, arthrochalasia type, 2. Also called: EHLERS-DANLOS SYNDROME, TYPE VIIB, AUTOSOMAL DOMINANT. Identifiers: MedGen CN293783, MONDO:0040501, OMIM 617821.

Submissions (2):

Fulgent Genetics
Classification: Pathogenic for Osteogenesis imperfecta, perinatal lethal; Osteogenesis imperfecta with normal sclerae, dominant form; Osteoporosis; Ehlers-Danlos syndrome, cardiac valvular type; Osteogenesis imperfecta type III; Ehlers-Danlos syndrome, arthrochalasia type, 2; Combined osteogenesis imperfecta and Ehlers-Danlos syndrome 2. Last evaluated: 2024-03-19. Review status: criteria provided, single submitter. Criteria: ACMG Guidelines, 2015. Collection method: clinical testing. Allele origin: germline.

GeneDx
Classification: Pathogenic. Last evaluated: 2017-03-28. Review status: criteria provided, single submitter. Criteria: GeneDx Variant Classification (06012015). Collection method: clinical testing. Allele origin: germline. Affected: yes.
Comment: A novel G379E pathogenic variant was identified in the COL1A2 gene. It has not been published as a pathogenic variant, nor has it been reported as a benign variant to our knowledge. G379E occurs in the analogous COL1A1 triple helical domain and replaces the Glycine in the canonical Gly-X-Y repeat. Mutations in these Glycines result in poor winding of the collagen triple helix and a less functional protein. The G379E variant is not observed in large population cohorts (Lek et al., 2016). The G379E variant is a non-conservative amino acid substitution, which is likely to impact secondary protein structure as these residues differ in polarity, charge, size and/or other properties. This substitution occurs at a position that is conserved across species. In silico analysis predicts this variant is damaging to the protein structure/function. Missense variants in this and nearby Glycine residues (G379R, G376V, G376D) have been reported in the Human Gene Mutation Database in association with osteogenesis imperfecta (Stenson et al., 2014), supporting the functional importance of this region of the protein. Therefore, we consider G379E to be a pathogenic variant.